The following is an entry in ClinVar:

NC_000017.11:g.(?_31203089)_(31352424_?)del

Genes: EVI2A (ecotropic viral integration site 2A; minus strand), EVI2B (ecotropic viral integration site 2B; minus strand), NF1 (neurofibromin 1; plus strand), OMG (oligodendrocyte myelin glycoprotein; minus strand). Cytogenetic location: 17q11.2.
Variant type: Deletion.
Identifiers: ClinVar variation 832518 (VCV000832518.3).

ClinVar aggregate classification (germline): Pathogenic (1 of 4 stars; one submission).

Conditions:
Neurofibromatosis, type 1 (NF1). Also called: Peripheral type neurofibromatosis; Neurofibromatosis, type I; VON RECKLINGHAUSEN DISEASE; NEUROFIBROMATOSIS, TYPE I, SOMATIC. Identifiers: Orphanet 636, MedGen C0027831, MONDO:0018975, OMIM 162200. Disease mechanism: loss of function.

Submission:

Labcorp Genetics (formerly Invitae), Labcorp
Classification: Pathogenic for Neurofibromatosis, type 1. Last evaluated: 2019-11-26. Review status: criteria provided, single submitter. Criteria: Invitae Variant Classification Sherloc (09022015). Collection method: clinical testing. Allele origin: germline.
Comment: For these reasons, this variant has been classified as Pathogenic. Loss-of-function variants in NF1 are known to be pathogenic (PMID: 10712197, 23913538). This variant has not been reported in the literature in individuals with NF1-related conditions. This variant is an out-of-frame deletion of the genomic region encompassing exon(s) 12-50 of the NF1 gene. This is expected to create a premature translational stop signal and result in an absent or disrupted protein product.

Literature cited by the submitters: PubMed 10712197; PubMed 23913538.